The following continues an entry in ClinVar:

NM_032043.3(BRIP1):c.1255C>T (p.Arg419Trp)

Gene: BRIP1. ClinVar aggregate classification (germline): Conflicting classifications of pathogenicity. Uncertain significance (17); Likely benign (9).

Submissions 13 to 31 of 31:

CHEO Genetics Diagnostic Laboratory, Children's Hospital of Eastern Ontario
Classification: Uncertain significance for Breast and/or ovarian cancer. Last evaluated: 2023-05-23. Review status: criteria provided, single submitter. Criteria: ACMG Guidelines, 2015. Collection method: clinical testing. Allele origin: germline.

Myriad Genetics, Inc.
Classification: Uncertain significance for Familial cancer of breast. Last evaluated: 2023-03-02. Review status: criteria provided, single submitter. Criteria: Myriad Autosomal Dominant, Autosomal Recessive and X-Linked Classification Criteria (2023). Collection method: clinical testing. Allele origin: unknown.
Comment: This variant is classified as a variant of uncertain significance as there is insufficient evidence to determine its impact on protein function and/or cancer risk.

Institute for Biomarker Research, Medical Diagnostic Laboratories, L.L.C.
Classification: Uncertain significance for Hereditary cancer-predisposing syndrome. Last evaluated: 2022-08-18. Review status: criteria provided, single submitter. Criteria: ACMG Guidelines, 2015. Collection method: clinical testing. Allele origin: germline.

St. Jude Molecular Pathology, St. Jude Children's Research Hospital
Classification: Uncertain significance for Familial cancer of breast. Last evaluated: 2022-06-20. Review status: criteria provided, single submitter. Criteria: St. Jude Assertion Criteria 2020. Collection method: clinical testing. Allele origin: germline.
Comment: The BRIP1 c.1255C>T (p.Arg419Trp) missense change has a maximum subpopulation frequency of 0.059% in gnomAD v2.1.1. The in silico tool REVEL is inconclusive about a pathogenic or benign effect of this variant on protein function, and to our knowledge functional studies have not been performed. This variant has been reported in individuals with ovarian and breast cancer, melanoma, colorectal cancer, hereditary prostate cancer and sporadic pancreatic ductal adenocarcinoma (PMID: 19935797, 26315354, 28135145, 28767289, 29368626, 30414346, 31206626, 32283892, 32659497). To our knowledge, this variant has not been reported in the literature in individuals with Fanconi anemia. In addition, this variant was observed in unaffected controls (PMID: 29368626), and in five individuals reported in a database of women older than 70 years of age who have never had cancer (FLOSSIES database). In summary, the evidence currently available is insufficient to determine the role of this variant in disease. It has therefore been classified as of uncertain significance.

Ambry Genetics
Classification: Likely benign for Hereditary cancer-predisposing syndrome. Last evaluated: 2022-02-08. Review status: criteria provided, single submitter. Criteria: Ambry Variant Classification Scheme 2023. Collection method: clinical testing. Allele origin: germline.

Sema4
Classification: Uncertain significance for Hereditary cancer-predisposing syndrome. Last evaluated: 2022-02-05. Review status: criteria provided, single submitter. Criteria: Sema4 Curation Guidelines. Collection method: curation. Allele origin: germline.
Comment: The BRIP1 c.1255C>T (p.R419W) variant has been reported in numerous individuals with breast, ovarian, pancreatic, prostate, melanoma, or colorectal cancer, and has also been reported in many healthy controls (PMID: 33471991, 29368626, 26921362, 30651582, 26315354, 28767289, 19935797, 30414346, 28135145, 12872252). It was observed in 99/282530 chromosomes, with one homozygote across all ethnicities, in the large and broad cohorts of the Genome Aggregation Database (PMID: 32461654). The variant has been reported in ClinVar (Variation ID 128153). In silico tools suggest the impact of the variant on protein function is inconclusive, though these predictions have not been confirmed by functional studies. The evidence is insufficient to meet ACMG/AMP criteria for classifying the variant as benign or pathogenic. Thus, the clinical significance of this variant is currently uncertain.

Institute for Clinical Genetics, University Hospital TU Dresden, University Hospital TU Dresden
Classification: Uncertain significance. Last evaluated: 2021-11-03. Review status: criteria provided, single submitter. Criteria: ACMG Guidelines, 2015. Collection method: clinical testing. Allele origin: germline.

Institute of Human Genetics, University of Leipzig Medical Center
Classification: Uncertain significance for Fanconi anemia complementation group J. Last evaluated: 2020-12-03. Review status: criteria provided, single submitter. Criteria: ACMG Guidelines, 2015. Collection method: clinical testing. Allele origin: unknown. Affected: yes.

Color Diagnostics, LLC DBA Color Health
Classification: Likely benign for Hereditary cancer-predisposing syndrome. Last evaluated: 2020-11-17. Review status: criteria provided, single submitter. Criteria: ACMG Guidelines, 2015. Collection method: clinical testing. Allele origin: germline.

Fulgent Genetics
Classification: Uncertain significance for Familial cancer of breast; Fanconi anemia complementation group J. Last evaluated: 2018-10-31. Review status: criteria provided, single submitter. Criteria: ACMG Guidelines, 2015. Collection method: clinical testing. Allele origin: unknown.

GeneKor MSA
Classification: Uncertain significance for Hereditary cancer-predisposing syndrome. Last evaluated: 2018-08-01. Review status: criteria provided, single submitter. Criteria: ACMG Guidelines, 2015. Collection method: clinical testing. Allele origin: germline. Affected: yes.

Mendelics
Classification: Uncertain significance for Fanconi anemia, complementation group J. Last evaluated: 2018-07-02. Review status: criteria provided, single submitter. Criteria: Mendelics Assertion Criteria 2017. Collection method: clinical testing. Allele origin: unknown.

Illumina Laboratory Services, Illumina
Classification: Uncertain significance for Fanconi anemia complementation group J. Last evaluated: 2017-04-28. Review status: criteria provided, single submitter. Criteria: ICSL Variant Classification Criteria 13 December 2019. Collection method: clinical testing. Allele origin: germline.

Centre for Mendelian Genomics, University Medical Centre Ljubljana
Classification: Uncertain significance for Breast carcinoma. Last evaluated: 2014-12-05. Review status: criteria provided, single submitter. Criteria: ACMG Guidelines, 2015. Collection method: clinical testing. Allele origin: unknown. Affected: yes.

True Health Diagnostics
Classification: Uncertain significance for Hereditary cancer-predisposing syndrome. Last evaluated: 2018-02-20. Review status: no assertion criteria provided. Collection method: clinical testing. Allele origin: germline. Not counted in ClinVar's aggregate classification.

Counsyl
Classification: Uncertain significance for Fanconi anemia complementation group J. Last evaluated: 2016-08-12. Review status: no assertion criteria provided. Collection method: clinical testing. Allele origin: unknown. Not counted in ClinVar's aggregate classification.

Counsyl
Classification: Uncertain significance for Ovarian cancer. Last evaluated: 2016-08-12. Review status: no assertion criteria provided. Collection method: clinical testing. Allele origin: unknown. Not counted in ClinVar's aggregate classification.

ITMI
No classification provided. Condition: AllHighlyPenetrant. Last evaluated: 2013-09-19. Review status: no classification provided. Collection method: reference population. Allele origin: germline. Not counted in ClinVar's aggregate classification.
Comment: Please see associated publication for description of ethnicities

Department of Pathology and Laboratory Medicine, Sinai Health System
Classification: Uncertain significance for Malignant tumor of breast. Review status: no assertion criteria provided. Collection method: clinical testing. Allele origin: unknown. Affected: yes. Study: The Canadian Open Genetics Repository (COGR). Not counted in ClinVar's aggregate classification.
Comment: The BRIP1 p.Arg419Trp variant was identified in 6 of 6936 proband chromosomes (frequency: 0.001) from individuals or families with prostate or ovarian cancer and was present in 2 of 8336 control chromosomes (frequency: 0.0002) from healthy individuals (Bodian 2014, Ramus 2015, Ray 2009). The variant was also identified in dbSNP (ID: rs150624408) as â€šÃ„ÃºWith Uncertain significance alleleâ€šÃ„Ã¹, in ClinVar (classified as uncertain significance by Ambry Genetics, Invitae, Counsyl, Color Genomics, GeneDx, and 4 clinical laboratories), Clinvitae, MutDB, and the Zhejiang University Database. The variant was not identified in the Cosmic database. The variant was identified in control databases in 95 of 276856 chromosomes (1 homozygous) at a frequency of 0.0003 increasing the likelihood this could be a low frequency benign variant (Genome Aggregation Database Feb 27, 2017). It was observed in the following populations: include African in 3 of 24020 chromosomes (freq: 0.0001), â€šÃ„ÃºOtherâ€šÃ„Ã¹ in 6 of 6460 chromosomes (freq: 0.001), Latino in 5 of 34350 chromosomes (freq: 0.0001), European in 56 of 126446 chromosomes (freq: 0.0004), Ashkenazi Jewish in 4 of 10148 chromosomes (freq: 0.0004), East Asian in 2 of 18866 chromosomes (freq: 0.0001), Finnish in 1 of 25786 chromosomes (freq: 0.00004), and South Asian in 18 of 30780 chromosomes (freq: 0.001). The p.Arg419 residue is conserved in mammals but not in more distantly related organisms, and computational analyses (PolyPhen-2, SIFT, AlignGVGD, BLOSUM, MutationTaster) suggest that the variant may impact the protein; however, this information is not predictive enough to assume pathogenicity. The variant occurs outside of the splicing consensus sequence and in silico or computational prediction software programs (SpliceSiteFinder, MaxEntScan, NNSPLICE, GeneSplicer, HumanSpliceFinder) do not predict a difference in splicing. In summary, based on the above information, the clinical significance of this variant cannot be determined with certainty at this time. This variant is classified as a variant of uncertain significance.

Literature cited by the submitters: PubMed 28135145 (cited by 5 submitters); PubMed 31159747 (cited by 3 submitters); PubMed 34284872 (cited by 3 submitters); PubMed 30414346 (cited by 5 submitters); PubMed 29368626 (cited by 5 submitters); PubMed 39400928 (cited by Quest Diagnostics Nichols Institute San Juan Capistrano); PubMed 38874686 (cited by Quest Diagnostics Nichols Institute San Juan Capistrano); PubMed 39440754 (cited by Quest Diagnostics Nichols Institute San Juan Capistrano); PubMed 38308423 (cited by Quest Diagnostics Nichols Institute San Juan Capistrano); PubMed 32885271 (cited by Quest Diagnostics Nichols Institute San Juan Capistrano); PubMed 34326862 (cited by Quest Diagnostics Nichols Institute San Juan Capistrano); PubMed 31822495 (cited by Quest Diagnostics Nichols Institute San Juan Capistrano); PubMed 31206626 (cited by Quest Diagnostics Nichols Institute San Juan Capistrano); PubMed 30982232 (cited by Quest Diagnostics Nichols Institute San Juan Capistrano and Women's Health and Genetics/Laboratory Corporation of America, LabCorp); PubMed 30651582 (cited by 4 submitters); PubMed 26315354 (cited by 5 submitters); PubMed 33471991 (cited by 4 submitters); PubMed 35467778 (cited by Quest Diagnostics Nichols Institute San Juan Capistrano and Women's Health and Genetics/Laboratory Corporation of America, LabCorp); PubMed 32658311 (cited by Quest Diagnostics Nichols Institute San Juan Capistrano and Women's Health and Genetics/Laboratory Corporation of America, LabCorp); PubMed 32659497 (cited by Quest Diagnostics Nichols Institute San Juan Capistrano and Ambry Genetics); PubMed 32283892 (cited by Quest Diagnostics Nichols Institute San Juan Capistrano and Ambry Genetics); PubMed 12872252 (cited by 3 submitters); PubMed 19935797 (cited by 3 submitters); PubMed 23555315 (cited by Women's Health and Genetics/Laboratory Corporation of America, LabCorp and Ambry Genetics); PubMed 24728327 (cited by Women's Health and Genetics/Laboratory Corporation of America, LabCorp and ITMI); PubMed 26921362 (cited by 3 submitters); PubMed 28767289 (cited by 3 submitters); PubMed 30426508 (cited by Women's Health and Genetics/Laboratory Corporation of America, LabCorp); PubMed 29641532 (cited by Ambry Genetics).